The following is an entry in ClinVar:

ClinVar aggregate classification (germline): Uncertain significance (1 of 4 stars; one submission).

Conditions:
Schuurs-Hoeijmakers syndrome. Also called: PACS1-Related Neurodevelopmental Disorder. Identifiers: Orphanet 329224, MedGen C3554343, MONDO:0014006, OMIM 615009.

Submission:

Labcorp Genetics (formerly Invitae), Labcorp
Classification: Uncertain significance for Schuurs-Hoeijmakers syndrome. Last evaluated: 2022-10-10. Review status: criteria provided, single submitter. Criteria: Invitae Variant Classification Sherloc (09022015). Collection method: clinical testing. Allele origin: germline.
Comment: This variant is not present in population databases (gnomAD no frequency). In summary, the available evidence is currently insufficient to determine the role of this variant in disease. Therefore, it has been classified as a Variant of Uncertain Significance. Advanced modeling of protein sequence and biophysical properties (such as structural, functional, and spatial information, amino acid conservation, physicochemical variation, residue mobility, and thermodynamic stability) performed at Invitae indicates that this missense variant is not expected to disrupt PACS1 protein function. This variant has not been reported in the literature in individuals affected with PACS1-related conditions. This sequence change replaces proline, which is neutral and non-polar, with serine, which is neutral and polar, at codon 535 of the PACS1 protein (p.Pro535Ser).

NM_018026.4(PACS1):c.1603C>T (p.Pro535Ser)

Gene: PACS1 (phosphofurin acidic cluster sorting protein 1; plus strand). Cytogenetic location: 11q13.2.
Variant type: single nucleotide variant.
Coding change: c.1603C>T on transcript NM_018026.4 (MANE Select); coding-DNA position 1603, C replaced by T.
Protein change: p.Pro535Ser; replaces proline 535 with serine.
Molecular consequence: missense variant.
Genome position (GRCh38, 1-based): chr11:66,230,917, C>T. VCF-style: chr11-66230917-C-T. GRCh37 (hg19) VCF-style: chr11-65998388-C-T.
Other names: short protein forms P535S.
Identifiers: ClinVar variation 1721421 (VCV001721421.6), dbSNP rs1855578648, ClinGen allele CA381367901.